The following is an entry in ClinVar:

ClinVar aggregate classification (germline): Uncertain significance (1 of 4 stars; one submission).

Conditions:
Inborn genetic diseases. Identifiers: MedGen C0950123, MeSH D030342.

Submission:

Ambry Genetics
Classification: Uncertain significance for Inborn genetic diseases. Last evaluated: 2021-03-18. Review status: criteria provided, single submitter. Criteria: Ambry Variant Classification Scheme 2023. Collection method: clinical testing. Allele origin: germline.
Comment: The c.871C>T (p.P291S) alteration is located in exon 11 (coding exon 7) of the KRIT1 gene. This alteration results from a C to T substitution at nucleotide position 871, causing the proline (P) at amino acid position 291 to be replaced by a serine (S). The in silico prediction for the p.P291S alteration is inconclusive. Based on insufficient or conflicting evidence, the clinical significance of this alteration remains unclear.

NM_194454.3(KRIT1):c.871C>T (p.Pro291Ser)

Gene: KRIT1 (KRIT1 ankyrin repeat containing; minus strand). Cytogenetic location: 7q21.2.
Variant type: single nucleotide variant.
Coding change: c.871C>T on transcript NM_194454.3 (MANE Select); coding-DNA position 871, C replaced by T.
Protein change: p.Pro291Ser; replaces proline 291 with serine.
Molecular consequence: missense variant. On other transcripts: intron variant (3).
Genome position (GRCh38, 1-based): chr7:92,234,567, G>A on the plus strand (C>T on the coding strand, the complement: KRIT1 is on the minus strand). VCF-style: chr7-92234567-G-A. GRCh37 (hg19) VCF-style: chr7-91863881-G-A.
Other names: c.157C>T, p.Pro53Ser (NM_001350671.1); c.871C>T, p.Pro291Ser (NM_001350672.1, NM_001350673.1, NM_001350674.1 and 26 more transcripts); c.845+241C>T (NM_001350669.1, NM_001013406.2, NM_001350670.1); short protein forms P291S, P53S.
Identifiers: ClinVar variation 2229666 (VCV002229666.2), dbSNP rs2536005424, ClinGen allele CA368157992.